The following is an entry in ClinVar:

ClinVar aggregate classification (germline): Likely benign (0 of 4 stars; one submission).

Conditions:
CACNA1A-related disorder. Also called: CACNA1A-related condition.

Allele frequency attached by ClinVar (database versions not stated): TOPMed 0.00002.
gnomAD v4.1: 4 of 1,476,626 alleles (0.00027%); highest among the groups gnomAD compares: Admixed American, 0.009%; no homozygotes.

Submission:

PreventionGenetics, part of Exact Sciences
Classification: Likely benign for CACNA1A-related condition. Last evaluated: 2019-11-13. Review status: no assertion criteria provided. Collection method: clinical testing. Allele origin: germline.
Comment: This variant is classified as likely benign based on ACMG/AMP sequence variant interpretation guidelines (Richards et al. 2015 PMID: 25741868, with internal and published modifications).

NM_001127222.2(CACNA1A):c.7257T>C (p.Asp2419=)

Gene: CACNA1A (calcium voltage-gated channel subunit alpha1 A; minus strand). Cytogenetic location: 19p13.13.
Variant type: single nucleotide variant.
Coding change: c.7257T>C on transcript NM_001127222.2 (MANE Select); coding-DNA position 7257, T replaced by C.
Protein change: p.Asp2419=; no amino-acid change (aspartic acid 2419 retained).
Molecular consequence: synonymous variant. On other transcripts: 3 prime UTR variant (3).
Genome position (GRCh38, 1-based): chr19:13,207,577, A>G on the plus strand (T>C on the coding strand, the complement: CACNA1A is on the minus strand). VCF-style: chr19-13207577-A-G. GRCh37 (hg19) VCF-style: chr19-13318391-A-G.
Other names: c.*469T>C (NM_000068.4, NM_001127221.2, NM_001174080.2); c.7275T>C, p.Asp2425= (NM_023035.3).
Identifiers: ClinVar variation 3045790 (VCV003045790.2), dbSNP rs890689183, ClinGen allele CA305546440.